The following is an entry in ClinVar:

ClinVar aggregate classification (germline): Pathogenic. Review status: criteria provided, multiple submitters, no conflicts (2 of 4 stars). 2 submissions from 2 submitters: Pathogenic (2). Last evaluated 2025-09-30.

Conditions:
Hereditary cancer-predisposing syndrome. Also called: Hereditary Cancer Syndrome; Hereditary neoplastic syndrome; Tumor predisposition; Neoplastic Syndromes, Hereditary. Identifiers: Orphanet 140162, MedGen C0027672, MeSH D009386, MONDO:0015356.

Submissions (2):

Labcorp Genetics (formerly Invitae), Labcorp
Classification: Pathogenic. Last evaluated: 2025-09-30. Review status: criteria provided, single submitter. Criteria: Invitae Variant Classification Sherloc (09022015). Collection method: clinical testing. Allele origin: germline.
Comment: This sequence change creates a premature translational stop signal (p.Gln421*) in the CTNNA1 gene. It is expected to result in an absent or disrupted protein product. Loss-of-function variants in CTNNA1 are known to be pathogenic (PMID: 32051609, 34425242). This variant is not present in population databases (gnomAD no frequency). This variant has not been reported in the literature in individuals affected with CTNNA1-related conditions. ClinVar contains an entry for this variant (Variation ID: 841567). For these reasons, this variant has been classified as Pathogenic.

Ambry Genetics
Classification: Pathogenic for Hereditary cancer-predisposing syndrome. Last evaluated: 2025-07-01. Review status: criteria provided, single submitter. Criteria: Ambry Variant Classification Scheme 2023. Collection method: clinical testing. Allele origin: germline.
Comment: The p.Q421* pathogenic mutation (also known as c.1261C>T), located in coding exon 8 of the CTNNA1 gene, results from a C to T substitution at nucleotide position 1261. This changes the amino acid from a glutamine to a stop codon within coding exon 8. In one study, this alteration was identified in 1/151,425 individuals who underwent multi-gene germline genetic testing and classified as a variant of uncertain significance by the authors (Clark DF et al. Genet Med, 2020 May;22:840-846). This variant is considered to be rare based on population cohorts in the Genome Aggregation Database (gnomAD). This alteration is expected to result in loss of function by premature protein truncation or nonsense-mediated mRNA decay. As such, this alteration is interpreted as a disease-causing mutation.

Literature cited by the submitters: PubMed 32051609 (cited by Labcorp Genetics (formerly Invitae), Labcorp and Ambry Genetics); PubMed 34425242 (cited by Labcorp Genetics (formerly Invitae), Labcorp).

NM_001903.5(CTNNA1):c.1261C>T (p.Gln421Ter)

Gene: CTNNA1 (catenin alpha 1; plus strand). Cytogenetic location: 5q31.2.
Variant type: single nucleotide variant.
Coding change: c.1261C>T on transcript NM_001903.5 (MANE Select); coding-DNA position 1261, C replaced by T.
Protein change: p.Gln421Ter; replaces glutamine 421 with a stop codon.
Molecular consequence: nonsense. On other transcripts: 5 prime UTR variant (5), intron variant (2).
Genome position (GRCh38, 1-based): chr5:138,887,607, C>T. VCF-style: chr5-138887607-C-T. GRCh37 (hg19) VCF-style: chr5-138223296-C-T.
Other names: c.-247C>T (NM_001324007.1, NM_001324008.1, NM_001324009.1 and 1 more transcripts); c.151C>T, p.Gln51Ter (NM_001324011.1, NM_001290312.1, NM_001323987.1 and 18 more transcripts); c.-122C>T (NM_001324013.1); c.1261C>T (NM_001903.2); c.-58+12010C>T (NM_001324012.1); c.-61+12010C>T (NM_001324010.1); c.1261C>T, p.Gln421Ter (NM_001290307.3, NM_001323982.2, NM_001323983.1 and 3 more transcripts); c.952C>T, p.Gln318Ter (NM_001290309.3); and 1 more; short protein forms Q51*, Q298*, Q318*, Q421*.
Identifiers: ClinVar variation 841567 (VCV000841567.9), dbSNP rs1754355304, ClinGen allele CA361133198.